The following is an entry in ClinVar:

ClinVar aggregate classification (germline): Conflicting classifications of pathogenicity. Review status: criteria provided, conflicting classifications (1 of 4 stars). 3 submissions from 3 submitters: Uncertain significance (2); Likely benign (1). Last evaluated 2024-10-29.

Conditions:
Xeroderma pigmentosum (XP). Identifiers: Orphanet 910, MedGen C0043346, MONDO:0019600.

Allele frequency attached by ClinVar (database versions not stated): ESP Exome Variant Server 0.00008; ExAC 0.00009; gnomAD exomes 0.00012 and 0.00019; TOPMed 0.00012; gnomAD 0.00014 and 0.00015; 1000 Genomes Project 30x 0.00047; 1000 Genomes Project 0.00060.
gnomAD v4.1: 292 of 1,613,756 alleles (0.018%); highest among the groups gnomAD compares: Non-Finnish European, 0.021%; no homozygotes.

Submissions (3):

Blueprint Genetics
Classification: Likely benign. Last evaluated: 2024-10-29. Review status: criteria provided, single submitter. Criteria: ACMG Guidelines, 2015. Collection method: clinical testing. Allele origin: germline.

Labcorp Genetics (formerly Invitae), Labcorp
Classification: Uncertain significance. Last evaluated: 2022-10-26. Review status: criteria provided, single submitter. Criteria: Invitae Variant Classification Sherloc (09022015). Collection method: clinical testing. Allele origin: germline.
Comment: This sequence change falls in intron 17 of the ERCC2 gene. It does not directly change the encoded amino acid sequence of the ERCC2 protein. It affects a nucleotide within the consensus splice site. This variant is present in population databases (rs148416328, gnomAD 0.05%). This variant has not been reported in the literature in individuals affected with ERCC2-related conditions. ClinVar contains an entry for this variant (Variation ID: 1059927). Variants that disrupt the consensus splice site are a relatively common cause of aberrant splicing (PMID: 17576681, 9536098). Algorithms developed to predict the effect of sequence changes on RNA splicing suggest that this variant is not likely to affect RNA splicing. In summary, the available evidence is currently insufficient to determine the role of this variant in disease. Therefore, it has been classified as a Variant of Uncertain Significance.

Sema4
Classification: Uncertain significance for Xeroderma pigmentosum. Last evaluated: 2021-06-25. Review status: criteria provided, single submitter. Criteria: Sema4 Curation Guidelines. Collection method: curation. Allele origin: germline.
Comment: The ERCC2 c.1665+4C>T variant has not been reported in the literature to our knowledge. It was observed in 13/24978 chromosomes, including 0 homozygotes, of the Finnish European subpopulation in the large and broad cohorts of the Genome Aggregation Database (PMID: 32461654). The variant has been reported in ClinVar (Variation ID: 1059927). In silico tools suggest the impact of the variant on splicing is benign, though these predictions have not been confirmed by functional studies. The evidence is insufficient to meet ACMG/AMP criteria for classifying the variant as benign or pathogenic. Thus, the clinical significance of this variant is currently uncertain.

Literature cited by the submitters: PubMed 17576681 (cited by Labcorp Genetics (formerly Invitae), Labcorp); PubMed 9536098 (cited by Labcorp Genetics (formerly Invitae), Labcorp).

NM_000400.4(ERCC2):c.1665+4C>T

Gene: ERCC2 (ERCC excision repair 2, TFIIH core complex helicase subunit; minus strand). Cytogenetic location: 19q13.32.
Variant type: single nucleotide variant.
Coding change: c.1665+4C>T on transcript NM_000400.4 (MANE Select); 4 bases into the intron after coding-DNA position 1665, C replaced by T.
Molecular consequence: intron variant.
Genome position (GRCh38, 1-based): chr19:45,354,726, G>A on the plus strand (C>T on the coding strand, the complement: ERCC2 is on the minus strand). VCF-style: chr19-45354726-G-A. GRCh37 (hg19) VCF-style: chr19-45857984-G-A.
Identifiers: ClinVar variation 1059927 (VCV001059927.6), dbSNP rs148416328, ClinGen allele CA9513170.